The following is an entry in ClinVar:

NM_002439.5(MSH3):c.1001A>G (p.Tyr334Cys)

Genes: MSH3 (mutS homolog 3; plus strand), LOC126807437 (MED14-independent group 3 enhancer GRCh37_chr5:79968379-79969578; plus strand). Cytogenetic location: 5q14.1.
Variant type: single nucleotide variant.
Coding change: c.1001A>G on transcript NM_002439.5 (MANE Select); coding-DNA position 1001, A replaced by G.
Protein change: p.Tyr334Cys; replaces tyrosine 334 with cysteine.
Molecular consequence: missense variant.
Genome position (GRCh38, 1-based): chr5:80,672,832, A>G. VCF-style: chr5-80672832-A-G. GRCh37 (hg19) VCF-style: chr5-79968651-A-G.
Other names: c.1001A>G (NM_002439.3); short protein forms Y334C.
Identifiers: ClinVar variation 2421719 (VCV002421719.9), dbSNP rs774838967, ClinGen allele CA360267508.
Genomic context (GRCh38, chr5:80,672,832, plus strand): 5'-CATTAAAGGCCATTGGAGACAACAGAAGTTCACTCTTTTCCCGGAAATTGACTGCCCTTT[A>G]TACAAAATCTACACTTATTGGAGAAGATATCCTTTTTGGACGGGAGTTTTTCTCTTAAAT-3'
Protein context (NP_002430.3, residues 324-344): SLFSRKLTAL[Tyr334Cys]TKSTLIGEDV

ClinVar aggregate classification (germline): Uncertain significance. Review status: criteria provided, multiple submitters, no conflicts (2 of 4 stars). 3 submissions from 3 submitters: Uncertain significance (3). Last evaluated 2025-12-29.

Conditions:
Hereditary cancer-predisposing syndrome. Also called: Hereditary Cancer Syndrome; Tumor predisposition; Neoplastic Syndromes, Hereditary; Hereditary neoplastic syndrome. Identifiers: Orphanet 140162, MedGen C0027672, MeSH D009386, MONDO:0015356.

gnomAD v4.1: 1 of 1,612,974 alleles (0.000062%); highest among the groups gnomAD compares: Non-Finnish European, 0.000085%; no homozygotes.

Submissions (3):

Center for Genomic Medicine, Rigshospitalet, Copenhagen University Hospital
Classification: Uncertain significance. Last evaluated: 2025-12-29. Review status: criteria provided, single submitter. Criteria: ACMG Guidelines, 2015. Collection method: clinical testing. Allele origin: germline.

Ambry Genetics
Classification: Uncertain significance for Hereditary cancer-predisposing syndrome. Last evaluated: 2024-06-17. Review status: criteria provided, single submitter. Criteria: Ambry Variant Classification Scheme 2023. Collection method: clinical testing. Allele origin: germline.
Comment: The p.Y334C variant (also known as c.1001A>G), located in coding exon 6 of the MSH3 gene, results from an A to G substitution at nucleotide position 1001. The tyrosine at codon 334 is replaced by cysteine, an amino acid with highly dissimilar properties. This amino acid position is conserved. In addition, this alteration is predicted to be deleterious by in silico analysis. Based on the available evidence, the clinical significance of this variant remains unclear.

Labcorp Genetics (formerly Invitae), Labcorp
Classification: Uncertain significance. Last evaluated: 2022-10-05. Review status: criteria provided, single submitter. Criteria: Invitae Variant Classification Sherloc (09022015). Collection method: clinical testing. Allele origin: germline.
Comment: This sequence change replaces tyrosine, which is neutral and polar, with cysteine, which is neutral and slightly polar, at codon 334 of the MSH3 protein (p.Tyr334Cys). This variant is present in population databases (no rsID available, gnomAD 0.007%). This variant has not been reported in the literature in individuals affected with MSH3-related conditions. Algorithms developed to predict the effect of missense changes on protein structure and function (SIFT, PolyPhen-2, Align-GVGD) all suggest that this variant is likely to be disruptive. In summary, the available evidence is currently insufficient to determine the role of this variant in disease. Therefore, it has been classified as a Variant of Uncertain Significance.